The following is an entry in ClinVar:

ClinVar aggregate classification (germline): Uncertain significance (1 of 4 stars; one submission).

Conditions:
Hereditary cancer-predisposing syndrome. Also called: Neoplastic Syndromes, Hereditary; Tumor predisposition; Hereditary neoplastic syndrome; Hereditary Cancer Syndrome. Identifiers: Orphanet 140162, MedGen C0027672, MeSH D009386, MONDO:0015356.

Submission:

Ambry Genetics
Classification: Uncertain significance for Hereditary cancer-predisposing syndrome. Last evaluated: 2024-01-08. Review status: criteria provided, single submitter. Criteria: Ambry Variant Classification Scheme 2023. Collection method: clinical testing. Allele origin: germline.
Comment: The p.F1226V variant (also known as c.3676T>G), located in coding exon 9 of the BRCA1 gene, results from a T to G substitution at nucleotide position 3676. The phenylalanine at codon 1226 is replaced by valine, an amino acid with highly similar properties. This variant was detected in 0/143 with breast cancer and 1/382 with ovarian cancer from Peru (Ferreyra Y et al. Front Oncol, 2023 Aug;13:1227864). This amino acid position is highly conserved in available vertebrate species. In addition, this alteration is predicted to be deleterious by in silico analysis. Since supporting evidence is limited at this time, the clinical significance of this alteration remains unclear.

Literature cited by the submitters: PubMed 37664050.

NM_007294.4(BRCA1):c.3676T>G (p.Phe1226Val)

Genes: BRCA1 (BRCA1 DNA repair associated; minus strand), LOC126862571 (BRD4-independent group 4 enhancer GRCh37_chr17:41243136-41244335; plus strand). Cytogenetic location: 17q21.31.
Variant type: single nucleotide variant.
Coding change: c.3676T>G on transcript NM_007294.4 (MANE Select); coding-DNA position 3676, T replaced by G.
Protein change: p.Phe1226Val; replaces phenylalanine 1226 with valine.
Molecular consequence: missense variant. On other transcripts: intron variant (135).
Genome position (GRCh38, 1-based): chr17:43,091,855, A>C on the plus strand (T>G on the coding strand, the complement: BRCA1 is on the minus strand). VCF-style: chr17-43091855-A-C. GRCh37 (hg19) VCF-style: chr17-41243872-A-C.
Other names: c.710-823T>G (NM_001408409.1, NM_001408412.1, NM_001408414.1 and 2 more transcripts); c.575-823T>G (NM_001408493.1, NM_001408490.1, NM_001408491.1); c.455-823T>G (NM_001408502.1); c.578-823T>G (NM_001408489.1, NM_001408479.1, NM_001408481.1 and 9 more transcripts); c.662-823T>G (NM_001408445.1, NM_001408446.1, NM_001408435.1 and 6 more transcripts); c.3463T>G, p.Phe1155Val (NM_001407571.1, NM_001407853.1, NM_001407894.1 and 9 more transcripts); c.3676T>G, p.Phe1226Val (NM_001407581.1, NM_001407582.1, NM_001407583.1 and 30 more transcripts); c.3673T>G, p.Phe1225Val (NM_001407587.1, NM_001407590.1, NM_001407591.1 and 22 more transcripts); and 41 more; short protein forms F1058V, F1098V, F1099V, F1114V, F1115V, F1137V, F1138V, F1155V.
Identifiers: ClinVar variation 3226140 (VCV003226140.1), dbSNP rs2154295314, ClinGen allele CA10594615.